The following is an entry in ClinVar:

NM_006231.4(POLE):c.4510A>C (p.Ile1504Leu)

Gene: POLE (DNA polymerase epsilon, catalytic subunit; minus strand). Cytogenetic location: 12q24.33.
Variant type: single nucleotide variant.
Coding change: c.4510A>C on transcript NM_006231.4 (MANE Select); coding-DNA position 4510, A replaced by C.
Protein change: p.Ile1504Leu; replaces isoleucine 1504 with leucine.
Molecular consequence: missense variant.
Genome position (GRCh38, 1-based): chr12:132,643,265, T>G on the plus strand (A>C on the coding strand, the complement: POLE is on the minus strand). VCF-style: chr12-132643265-T-G. GRCh37 (hg19) VCF-style: chr12-133219851-T-G.
Other names: short protein forms I1504L.
Identifiers: ClinVar variation 1741123 (VCV001741123.2), dbSNP rs1555222899, ClinGen allele CA387380472.

ClinVar aggregate classification (germline): Uncertain significance (1 of 4 stars; one submission).

Conditions:
Hereditary cancer-predisposing syndrome. Also called: Hereditary Cancer Syndrome; Hereditary neoplastic syndrome; Neoplastic Syndromes, Hereditary; Tumor predisposition. Identifiers: Orphanet 140162, MedGen C0027672, MeSH D009386, MONDO:0015356.

Submission:

Ambry Genetics
Classification: Uncertain significance for Hereditary cancer-predisposing syndrome. Last evaluated: 2022-08-29. Review status: criteria provided, single submitter. Criteria: Ambry Variant Classification Scheme 2023. Collection method: clinical testing. Allele origin: germline.
Comment: The p.I1504L variant (also known as c.4510A>C), located in coding exon 35 of the POLE gene, results from an A to C substitution at nucleotide position 4510. The isoleucine at codon 1504 is replaced by leucine, an amino acid with highly similar properties. This amino acid position is conserved. In addition, this alteration is predicted to be tolerated by in silico analysis. Since supporting evidence is limited at this time, the clinical significance of this alteration remains unclear.